The following is an entry in ClinVar:

NM_000092.5(COL4A4):c.3787C>T (p.Gln1263Ter)

Gene: COL4A4 (collagen type IV alpha 4 chain; minus strand). Cytogenetic location: 2q36.3.
Variant type: single nucleotide variant.
Coding change: c.3787C>T on transcript NM_000092.5 (MANE Select); coding-DNA position 3787, C replaced by T.
Protein change: p.Gln1263Ter; replaces glutamine 1263 with a stop codon.
Molecular consequence: nonsense.
Genome position (GRCh38, 1-based): chr2:227,031,975, G>A on the plus strand (C>T on the coding strand, the complement: COL4A4 is on the minus strand). VCF-style: chr2-227031975-G-A. GRCh37 (hg19) VCF-style: chr2-227896691-G-A.
Other names: short protein forms Q1263*.
Identifiers: ClinVar variation 3585771 (VCV003585771.3).
Genomic context (GRCh38, chr2:227,031,975, plus strand): 5'-CTGCCATCCTTTGTCATGATTCTCTCATACCTCTTGGGCCATCAGGACCAGGAGGTCCCT[G>A]ATCTCCAGGTGGACCCGGGTCAGGAATGTCCTTAGGAGCTCTTCCTGTGGCACCTGCAGG-3'

ClinVar aggregate classification (germline): Pathogenic/Likely pathogenic. Review status: criteria provided, multiple submitters, no conflicts (2 of 4 stars). 3 submissions from 3 submitters: Pathogenic (2); Likely pathogenic (1). Last evaluated 2025-12-19.

Conditions:
Autosomal recessive Alport syndrome (ATS2). Also called: COL4A3-Related Nephropathy; COL4A4 Alport Syndrome and Thin Basement Membrane Nephropathy; ALPORT SYNDROME 2, AUTOSOMAL RECESSIVE; Alport syndrome type 2. Identifiers: Orphanet 63, Orphanet 88919, MedGen C4746745, MONDO:0008762, OMIM 203780.
Hematuria, benign familial, 1 (BFH1). Also called: THIN MEMBRANE NEPHROPATHY. Identifiers: MedGen CN376803, MONDO:0007709, OMIM 141200.
Alport syndrome. Also called: Hemorrhagic familial nephritis; Hemorrhagic hereditary nephritis; Congenital hereditary hematuria. Identifiers: Orphanet 63, MedGen C1567741, MONDO:0018965.

Submissions (3):

Myriad Genetics, Inc.
Classification: Pathogenic for Alport syndrome. Last evaluated: 2025-12-19. Review status: criteria provided, single submitter. Criteria: Myriad Autosomal Dominant, Autosomal Recessive and X-Linked Classification Criteria (2023). Collection method: clinical testing. Allele origin: unknown.
Comment: NM_000092.4(COL4A4):c.3787C>T(Q1263*) is expected to be pathogenic in the context of Alport syndrome, COL4A4-related. This variant is predicted to lead to an abnormal or absent protein product due to the creation of a premature termination codon in COL4A4, a gene where loss-of-function variants are known to be pathogenic. Please note: this variant was assessed in the context of healthy population screening.

Labcorp Genetics (formerly Invitae), Labcorp
Classification: Pathogenic. Last evaluated: 2025-09-23. Review status: criteria provided, single submitter. Criteria: Invitae Variant Classification Sherloc (09022015). Collection method: clinical testing. Allele origin: germline.
Comment: This sequence change creates a premature translational stop signal (p.Gln1263*) in the COL4A4 gene. It is expected to result in an absent or disrupted protein product. Loss-of-function variants in COL4A4 are known to be pathogenic (PMID: 21196518, 24854265, 25307543). This variant is not present in population databases (gnomAD no frequency). This premature translational stop signal has been observed in individual(s) with Alport syndrome (PMID: 36117978). ClinVar contains an entry for this variant (Variation ID: 3585771). For these reasons, this variant has been classified as Pathogenic.

Fulgent Genetics
Classification: Likely pathogenic for Hematuria, benign familial, 1; Autosomal recessive Alport syndrome. Last evaluated: 2024-01-07. Review status: criteria provided, single submitter. Criteria: ACMG Guidelines, 2015. Collection method: clinical testing. Allele origin: germline.

Literature cited by the submitters: PubMed 21196518 (cited by Labcorp Genetics (formerly Invitae), Labcorp); PubMed 24854265 (cited by Labcorp Genetics (formerly Invitae), Labcorp); PubMed 25307543 (cited by Labcorp Genetics (formerly Invitae), Labcorp); PubMed 36117978 (cited by Labcorp Genetics (formerly Invitae), Labcorp).